The following is an entry in ClinVar:

ClinVar aggregate classification (germline): Uncertain significance (1 of 4 stars; one submission).

gnomAD v4.1: 23 of 1,612,648 alleles (0.0014%); highest among the groups gnomAD compares: East Asian, 0.0045%; no homozygotes.

Submission:

Labcorp Genetics (formerly Invitae), Labcorp
Classification: Uncertain significance. Last evaluated: 2025-06-30. Review status: criteria provided, single submitter. Criteria: Invitae Variant Classification Sherloc (09022015). Collection method: clinical testing. Allele origin: germline.
Comment: This sequence change replaces threonine, which is neutral and polar, with serine, which is neutral and polar, at codon 239 of the RCOR1 protein (p.Thr239Ser). This variant is present in population databases (rs766205807, gnomAD 0.01%). This variant has not been reported in the literature in individuals affected with RCOR1-related conditions. An algorithm developed to predict the effect of missense changes on protein structure and function (PolyPhen-2) suggests that this variant is likely to be tolerated. In summary, the available evidence is currently insufficient to determine the role of this variant in disease. Therefore, it has been classified as a Variant of Uncertain Significance.

NM_015156.4(RCOR1):c.715A>T (p.Thr239Ser)

Genes: RCOR1 (REST corepressor 1; plus strand), LOC126862063 (MED14-independent group 3 enhancer GRCh37_chr14:103174038-103175237; plus strand). Cytogenetic location: 14q32.32.
Variant type: single nucleotide variant.
Coding change: c.715A>T on transcript NM_015156.4 (MANE Select); coding-DNA position 715, A replaced by T.
Protein change: p.Thr239Ser; replaces threonine 239 with serine.
Molecular consequence: missense variant.
Genome position (GRCh38, 1-based): chr14:102,708,519, A>T. VCF-style: chr14-102708519-A-T. GRCh37 (hg19) VCF-style: chr14-103174856-A-T.
Other names: short protein forms T239S.
Identifiers: ClinVar variation 4697060 (VCV004697060.1).